The following is an entry in ClinVar:

ClinVar aggregate classification (germline): Benign. Review status: criteria provided, multiple submitters, no conflicts (2 of 4 stars). 4 submissions from 4 submitters: Benign (4). Last evaluated 2026-02-01.

Conditions:
Retinitis pigmentosa 1 (RP1). Identifiers: Orphanet 791, MedGen C0220701, MONDO:0008377, OMIM 180100.
Retinitis pigmentosa (RP). Identifiers: Orphanet 791, MedGen C0035334, MeSH D012174, MONDO:0019200, OMIM 268000. Inheritance: Autosomal dominant, autosomal recessive and X linked inheritance.

Allele frequency attached by ClinVar (database versions not stated): gnomAD exomes 0.01640; ExAC 0.01729; 1000 Genomes Project 0.02416; 1000 Genomes Project 30x 0.02655; gnomAD 0.03021 and 0.03211; TOPMed 0.03277; ESP Exome Variant Server 0.03360.
gnomAD v4.1: 27,051 of 1,613,912 alleles (1.7%); highest among the groups gnomAD compares: African/African-American, 6.9%; 388 homozygotes.

Submissions (4):

Labcorp Genetics (formerly Invitae), Labcorp
Classification: Benign. Last evaluated: 2026-02-01. Review status: criteria provided, single submitter. Criteria: Invitae Variant Classification Sherloc (09022015). Collection method: clinical testing. Allele origin: germline.

ARUP Laboratories, Molecular Genetics and Genomics, ARUP Laboratories
Classification: Benign for Retinitis pigmentosa 1. Last evaluated: 2023-11-22. Review status: criteria provided, single submitter. Criteria: ARUP Molecular Germline Variant Investigation Process 2024. Collection method: clinical testing. Allele origin: germline.

Illumina Laboratory Services, Illumina
Classification: Benign for Retinitis pigmentosa. Last evaluated: 2018-03-06. Review status: criteria provided, single submitter. Criteria: ICSL Variant Classification Criteria 13 December 2019. Collection method: clinical testing. Allele origin: germline.
Comment: This variant was observed in the ICSL laboratory as part of a predisposition screen in an ostensibly healthy population. It had not been previously curated by ICSL or reported in the Human Gene Mutation Database (HGMD: prior to June 1st, 2018), and was therefore a candidate for classification through an automated scoring system. Utilizing variant allele frequency, disease prevalence and penetrance estimates, and inheritance mode, an automated score was calculated to assess if this variant is too frequent to cause the disease. Based on the score and internal cut-off values, a variant classified as benign is not then subjected to further curation. The score for this variant resulted in a classification of benign for this disease.

Breakthrough Genomics
Classification: Benign. Review status: criteria provided, single submitter. Criteria: ACMG Guidelines, 2015. Collection method: not provided. Allele origin: germline. Inheritance: Autosomal dominant inheritance. Affected: yes.

NM_006269.2(RP1):c.4784G>A (p.Arg1595Gln)

Gene: RP1 (RP1 axonemal microtubule associated; plus strand). Cytogenetic location: 8q12.1.
Variant type: single nucleotide variant.
Coding change: c.4784G>A on transcript NM_006269.2 (MANE Select); coding-DNA position 4784, G replaced by A.
Protein change: p.Arg1595Gln; replaces arginine 1595 with glutamine.
Molecular consequence: missense variant.
Genome position (GRCh38, 1-based): chr8:54,628,666, G>A. VCF-style: chr8-54628666-G-A. GRCh37 (hg19) VCF-style: chr8-55541226-G-A.
Other names: short protein forms R1595Q.
Identifiers: ClinVar variation 363303 (VCV000363303.24), dbSNP rs35084330, ClinGen allele CA4751947.